The following is an entry in ClinVar:

ClinVar aggregate classification (germline): Uncertain significance (1 of 4 stars; one submission).

Allele frequency attached by ClinVar (database versions not stated): gnomAD exomes below 0.00001; gnomAD 0.00001.
gnomAD v4.1: 4 of 1,613,914 alleles (0.00025%); highest among the groups gnomAD compares: African/African-American, 0.0053%; no homozygotes.

Submission:

Labcorp Genetics (formerly Invitae), Labcorp
Classification: Uncertain significance. Last evaluated: 2022-06-29. Review status: criteria provided, single submitter. Criteria: Invitae Variant Classification Sherloc (09022015). Collection method: clinical testing. Allele origin: germline.
Comment: In summary, the available evidence is currently insufficient to determine the role of this variant in disease. Therefore, it has been classified as a Variant of Uncertain Significance. This sequence change replaces leucine, which is neutral and non-polar, with proline, which is neutral and non-polar, at codon 1075 of the WDR62 protein (p.Leu1075Pro). This variant is present in population databases (no rsID available, gnomAD 0.01%). This variant has not been reported in the literature in individuals affected with WDR62-related conditions. Algorithms developed to predict the effect of missense changes on protein structure and function output the following: SIFT: "Tolerated"; PolyPhen-2: "Benign"; Align-GVGD: "Class C0". The proline amino acid residue is found in multiple mammalian species, which suggests that this missense change does not adversely affect protein function. Algorithms developed to predict the effect of sequence changes on RNA splicing suggest that this variant may disrupt the consensus splice site.

NM_001083961.2(WDR62):c.3224T>C (p.Leu1075Pro)

Gene: WDR62 (WD repeat domain 62; plus strand). Cytogenetic location: 19q13.12.
Variant type: single nucleotide variant.
Coding change: c.3224T>C on transcript NM_001083961.2 (MANE Select); coding-DNA position 3224, T replaced by C.
Protein change: p.Leu1075Pro; replaces leucine 1075 with proline.
Molecular consequence: missense variant. On other transcripts: intron variant (1).
Genome position (GRCh38, 1-based): chr19:36,102,740, T>C. VCF-style: chr19-36102740-T-C. GRCh37 (hg19) VCF-style: chr19-36593642-T-C.
Other names: c.3209T>C, p.Leu1070Pro (NM_001411145.1); c.2975T>C, p.Leu992Pro (NM_001411146.1); c.2873T>C, p.Leu958Pro (NM_001411147.1); c.3221-12T>C (NM_173636.5); short protein forms L1070P, L958P, L1075P, L992P.
Identifiers: ClinVar variation 2101993 (VCV002101993.4), dbSNP rs1443056392, ClinGen allele CA405451323.